The following is an entry in ClinVar:

ClinVar aggregate classification (germline): Pathogenic (1 of 4 stars; one submission).

Conditions:
Alstrom syndrome (ALMS). Identifiers: Orphanet 64, MedGen C0268425, MONDO:0008763, OMIM 203800.

gnomAD v4.1: 14 of 1,614,076 alleles (0.00087%); highest among the groups gnomAD compares: Non-Finnish European, 0.0012%; no homozygotes.

Submission:

Labcorp Genetics (formerly Invitae), Labcorp
Classification: Pathogenic for Alstrom syndrome. Last evaluated: 2022-05-30. Review status: criteria provided, single submitter. Criteria: Invitae Variant Classification Sherloc (09022015). Collection method: clinical testing. Allele origin: germline.
Comment: This variant is not present in population databases (gnomAD no frequency). This sequence change creates a premature translational stop signal (p.Gln3613*) in the ALMS1 gene. It is expected to result in an absent or disrupted protein product. Loss-of-function variants in ALMS1 are known to be pathogenic (PMID: 17594715). This variant has not been reported in the literature in individuals affected with ALMS1-related conditions. For these reasons, this variant has been classified as Pathogenic. ClinVar contains an entry for this variant (Variation ID: 1459240).

Literature cited by the submitters: PubMed 17594715.

NM_001378454.1(ALMS1):c.10834C>T (p.Gln3612Ter)

Gene: ALMS1 (ALMS1 centrosome and basal body associated protein; plus strand). Cytogenetic location: 2p13.1.
Variant type: single nucleotide variant.
Coding change: c.10834C>T on transcript NM_001378454.1 (MANE Select); coding-DNA position 10834, C replaced by T.
Protein change: p.Gln3612Ter; replaces glutamine 3612 with a stop codon.
Molecular consequence: nonsense.
Genome position (GRCh38, 1-based): chr2:73,572,711, C>T. VCF-style: chr2-73572711-C-T. GRCh37 (hg19) VCF-style: chr2-73799838-C-T.
Other names: c.10837C>T, p.Gln3613Ter (NM_015120.4); short protein forms Q3613*, Q3612*.
Identifiers: ClinVar variation 1459240 (VCV001459240.7), dbSNP rs756345976, ClinGen allele CA347285768.